The following is an entry in ClinVar:

NM_001127511.3(APC):c.-121G>T

Gene: APC (APC regulator of Wnt signaling pathway; plus strand). Cytogenetic location: 5q22.2.
Variant type: single nucleotide variant.
Coding change: c.-121G>T on transcript NM_001127511.3; 121 bases upstream of the start codon, G replaced by T.
Molecular consequence: 5 prime UTR variant. On other transcripts: non-coding transcript variant (2).
Genome position (GRCh38, 1-based): chr5:112,707,597, G>T. VCF-style: chr5-112707597-G-T. GRCh37 (hg19) VCF-style: chr5-112043294-G-T.
Other names: c.-304G>T (NM_001354895.2, NM_001407447.1, NM_001407452.1 and 3 more transcripts); c.-121G>T (NM_001354897.2, NM_001354902.2, NM_001407446.1); c.-71G>T (NM_001407448.1, NM_001407450.1, NM_001407457.1 and 1 more transcripts); c.-95G>T (NM_001407453.1); c.-1339G>T (NM_001407470.1, NM_001407472.1).
Identifiers: ClinVar variation 2967893 (VCV002967893.3), dbSNP rs1173776603, ClinGen allele CA2674863554.

ClinVar aggregate classification (germline): Uncertain significance (1 of 4 stars; one submission).

Conditions:
Familial adenomatous polyposis 1 (FAP1). Also called: FAMILIAL ADENOMATOUS POLYPOSIS 1, ATTENUATED; POLYPOSIS, ADENOMATOUS INTESTINAL. Identifiers: MedGen C2713442, MONDO:0021056, OMIM 175100. Disease mechanism: loss of function.

Submission:

Labcorp Genetics (formerly Invitae), Labcorp
Classification: Uncertain significance for Familial adenomatous polyposis 1. Last evaluated: 2025-10-27. Review status: criteria provided, single submitter. Criteria: Invitae Variant Classification Sherloc (09022015). Collection method: clinical testing. Allele origin: germline.
Comment: This variant occurs in a non-coding region of the APC gene. It does not change the encoded amino acid sequence of the APC protein. This variant is not present in population databases (gnomAD no frequency). This variant has not been reported in the literature in individuals affected with APC-related conditions. In summary, the available evidence is currently insufficient to determine the role of this variant in disease. Therefore, it has been classified as a Variant of Uncertain Significance.